The following is an entry in ClinVar:

NM_000143.4(FH):c.947C>A (p.Ala316Asp)

Gene: FH (fumarate hydratase; minus strand). Cytogenetic location: 1q43.
Variant type: single nucleotide variant.
Coding change: c.947C>A on transcript NM_000143.4 (MANE Select); coding-DNA position 947, C replaced by A.
Protein change: p.Ala316Asp; replaces alanine 316 with aspartic acid.
Molecular consequence: missense variant.
Genome position (GRCh38, 1-based): chr1:241,504,203, G>T on the plus strand (C>A on the coding strand, the complement: FH is on the minus strand). VCF-style: chr1-241504203-G-T. GRCh37 (hg19) VCF-style: chr1-241667503-G-T.
Other names: p.A316D:GCT>GAT; short protein forms A316D.
Identifiers: ClinVar variation 214416 (VCV000214416.16), dbSNP rs863224002, ClinGen allele CA324246.

ClinVar aggregate classification (germline): Pathogenic/Likely pathogenic. Review status: criteria provided, multiple submitters, no conflicts (2 of 4 stars). 4 submissions from 4 submitters: Pathogenic (2); Likely pathogenic (2). Last evaluated 2025-11-03.

Conditions:
Hereditary leiomyomatosis and renal cell cancer. Also called: LEIOMYOMA, MULTIPLE CUTANEOUS; Reed syndrome; Multiple cutaneous and uterine leiomyomatosis; Cutaneous leiomyomata with uterine leiomyomata; Leiomyoma, hereditary multiple, of skin; Multiple cutaneous and uterine leiomyomata. Identifiers: Orphanet 523, MedGen C1708350, MONDO:0007888, OMIM 150800, HP:0007437. Disease mechanism: loss of function.
Hereditary cancer-predisposing syndrome. Also called: Tumor predisposition; Hereditary Cancer Syndrome; Hereditary neoplastic syndrome; Neoplastic Syndromes, Hereditary. Identifiers: Orphanet 140162, MedGen C0027672, MeSH D009386, MONDO:0015356.

Allele frequency attached by ClinVar (database versions not stated): gnomAD exomes below 0.00001.
gnomAD v4.1: 1 of 1,614,192 alleles (0.000062%); highest among the groups gnomAD compares: Non-Finnish European, 0.000085%; no homozygotes.

Submissions (4):

Labcorp Genetics (formerly Invitae), Labcorp
Classification: Pathogenic. Last evaluated: 2025-11-03. Review status: criteria provided, single submitter. Criteria: Invitae Variant Classification Sherloc (09022015). Collection method: clinical testing. Allele origin: germline.
Comment: This sequence change replaces alanine, which is neutral and non-polar, with aspartic acid, which is acidic and polar, at codon 316 of the FH protein (p.Ala316Asp). This variant is not present in population databases (gnomAD no frequency). This missense change has been observed in individuals with features consistent with hereditary leiomyomatosis and renal cell cancer (PMID: 28300276; internal data). ClinVar contains an entry for this variant (Variation ID: 214416). Invitae Evidence Modeling of protein sequence and biophysical properties (such as structural, functional, and spatial information, amino acid conservation, physicochemical variation, residue mobility, and thermodynamic stability) indicates that this missense variant is expected to disrupt FH protein function with a positive predictive value of 95%. Experimental studies have shown that this missense change affects FH function (PMID: 28300276). For these reasons, this variant has been classified as Pathogenic.

Ambry Genetics
Classification: Pathogenic for Hereditary cancer-predisposing syndrome. Last evaluated: 2025-09-23. Review status: criteria provided, single submitter. Criteria: Ambry Variant Classification Scheme 2023. Collection method: clinical testing. Allele origin: germline.
Comment: The p.A316D pathogenic mutation (also known as c.947C>A), located in coding exon 7 of the FH gene, results from a C to A substitution at nucleotide position 947. The alanine at codon 316 is replaced by aspartic acid, an amino acid with dissimilar properties. This variant has been detected in individuals satisfying diagnostic criteria for Hereditary Leiomyomatosis and Renal Cell Cancer (HLRCC) syndrome, and functional analysis demonstrated 29% of FH activity compared to controls (Muller M et al. Clin Genet, 2017 Dec;92:606-615; Ambry internal data). Based on internal protein structure analysis, this variant is predicted to disrupt the FH protein binding interface (Picaud S et al. J Inherit Metab Dis, 2011 Jun;34:671-6; Mechaly AE et al. FEBS Lett., 2012 Jun;586:1606-11). This variant is considered to be rare based on population cohorts in the Genome Aggregation Database (gnomAD). This amino acid position is highly conserved in available vertebrate species. In addition, this alteration is predicted to be deleterious by in silico analysis. Based on the supporting evidence, this alteration is interpreted as a disease-causing mutation.

Myriad Genetics, Inc.
Classification: Likely pathogenic for Hereditary leiomyomatosis and renal cell cancer. Last evaluated: 2023-07-05. Review status: criteria provided, single submitter. Criteria: Myriad Autosomal Dominant, Autosomal Recessive and X-Linked Classification Criteria (2023). Collection method: clinical testing. Allele origin: unknown.
Comment: This variant is considered likely pathogenic. This variant has been reported in multiple individuals with clinical features of gene-specific disease [PMID: 28300276, Myriad internal data]. This variant is expected to disrupt protein structure [Myriad internal data].

GeneDx
Classification: Likely pathogenic. Last evaluated: 2018-03-08. Review status: criteria provided, single submitter. Criteria: GeneDx Variant Classification (06012015). Collection method: clinical testing. Allele origin: germline. Affected: yes.
Comment: This variant is denoted FH c.947C>A at the cDNA level, p.Ala316Asp (A316D) at the protein level, and results in the change of an Alanine to an Aspartic Acid (GCT>GAT). Using alternate nomenclature, this variant would be defined as FH Ala273Asp. This variant has not, to our knowledge, been published in the literature as pathogenic or benign. FH Ala316Asp was not observed in large population cohorts (Lek 2016). Although this variant is not located in a known functional domain, missense variants at several surrounding residues have been reported in hereditary leiomyomatosis and renal cell cancer (HLRCC) or fumarate hydratase deficiency kindreds and shown to cause decreased FH enzyme activity (Martinez-Mir 2003, Toro 2003, Pithukpakorn 2006, Marque 2010, Gardie 2011, Picaud 2011). In silico analysis, which includes protein predictors and evolutionary conservation, supports a deleterious effect. Based on currently available evidence and internal clinical data, we consider FH Ala316Asp to be a likely pathogenic variant.

Literature cited by the submitters: PubMed 28300276 (cited by 3 submitters); PubMed 21445611 (cited by Ambry Genetics); PubMed 22561013 (cited by Ambry Genetics).